The following is an entry in ClinVar:

NM_033400.3(ZFHX2):c.7164A>T (p.Ile2388=)

Genes: THTPA (thiamine triphosphatase; plus strand), ZFHX2 (zinc finger homeobox 2; minus strand). Cytogenetic location: 14q11.2.
Variant type: single nucleotide variant.
Coding change: c.7164A>T on transcript NM_033400.3 (MANE Select); coding-DNA position 7164, A replaced by T.
Protein change: p.Ile2388=; no amino-acid change (isoleucine 2388 retained).
Molecular consequence: synonymous variant.
Genome position (GRCh38, 1-based): chr14:23,522,517, T>A on the plus strand (A>T on the coding strand, the complement: ZFHX2 is on the minus strand). VCF-style: chr14-23522517-T-A. GRCh37 (hg19) VCF-style: chr14-23991726-T-A.
Identifiers: ClinVar variation 3389762 (VCV003389762.14).

ClinVar aggregate classification (germline): Uncertain significance (1 of 4 stars; one submission).

Submission:

CeGaT Center for Human Genetics Tuebingen
Classification: Uncertain significance. Last evaluated: 2024-10-01. Review status: criteria provided, single submitter. Criteria: CeGaT Center For Human Genetics Tuebingen Variant Classification Criteria Version 2. Collection method: clinical testing. Allele origin: germline. Affected: yes. Observed: 1 variant allele.
Comment: ZFHX2: PM2:Supporting, BP4